The following is an entry in ClinVar:

NM_015164.4(PLEKHM2):c.280C>T (p.Arg94Cys)

Gene: PLEKHM2 (pleckstrin homology and RUN domain containing M2; plus strand). Cytogenetic location: 1p36.21.
Variant type: single nucleotide variant.
Coding change: c.280C>T on transcript NM_015164.4 (MANE Select); coding-DNA position 280, C replaced by T.
Protein change: p.Arg94Cys; replaces arginine 94 with cysteine.
Molecular consequence: missense variant.
Genome position (GRCh38, 1-based): chr1:15,717,895, C>T. VCF-style: chr1-15717895-C-T. GRCh37 (hg19) VCF-style: chr1-16044390-C-T.
Other names: c.280C>T, p.Arg94Cys (NM_001410755.1); short protein forms R94C.
Identifiers: ClinVar variation 2742401 (VCV002742401.3), dbSNP rs1641478256, ClinGen allele CA338579043.

ClinVar aggregate classification (germline): Uncertain significance (1 of 4 stars; one submission).

Submission:

Labcorp Genetics (formerly Invitae), Labcorp
Classification: Uncertain significance. Last evaluated: 2023-09-19. Review status: criteria provided, single submitter. Criteria: Invitae Variant Classification Sherloc (09022015). Collection method: clinical testing. Allele origin: germline.
Comment: In summary, the available evidence is currently insufficient to determine the role of this variant in disease. Therefore, it has been classified as a Variant of Uncertain Significance. An algorithm developed to predict the effect of missense changes on protein structure and function (PolyPhen-2) suggests that this variant is likely to be disruptive. This variant has not been reported in the literature in individuals affected with PLEKHM2-related conditions. This variant is not present in population databases (gnomAD no frequency). This sequence change replaces arginine, which is basic and polar, with cysteine, which is neutral and slightly polar, at codon 94 of the PLEKHM2 protein (p.Arg94Cys).